The following is an entry in ClinVar:

ClinVar aggregate classification (germline): Uncertain significance (1 of 4 stars; one submission).

Conditions:
Adenylosuccinate lyase deficiency (ADSLD). Also called: ADSL DEFICIENCY. Identifiers: Orphanet 46, MedGen C0268126, MONDO:0007068, OMIM 103050.

Submission:

Labcorp Genetics (formerly Invitae), Labcorp
Classification: Uncertain significance for Adenylosuccinate lyase deficiency. Last evaluated: 2024-10-23. Review status: criteria provided, single submitter. Criteria: Invitae Variant Classification Sherloc (09022015). Collection method: clinical testing. Allele origin: germline.
Comment: This sequence change creates a premature translational stop signal (p.Gln456Alafs*18) in the ADSL gene. While this is not anticipated to result in nonsense mediated decay, it is expected to disrupt the last 29 amino acid(s) of the ADSL protein. This variant is not present in population databases (gnomAD no frequency). This variant has not been reported in the literature in individuals affected with ADSL-related conditions. ClinVar contains an entry for this variant (Variation ID: 2010630). This variant disrupts a region of the ADSL protein in which other variant(s) (p.Glu464del) have been observed in individuals with ADSL-related conditions (PMID: 28487569). This suggests that this is a clinically significant region of the protein, and that variants that disrupt it are likely to be disease-causing. In summary, the available evidence is currently insufficient to determine the role of this variant in disease. Therefore, it has been classified as a Variant of Uncertain Significance.

Literature cited by the submitters: PubMed 28487569.

NM_000026.4(ADSL):c.1364dup (p.Gln456fs)

Gene: ADSL (adenylosuccinate lyase; plus strand). Cytogenetic location: 22q13.1.
Variant type: Duplication.
Coding change: c.1364dup on transcript NM_000026.4 (MANE Select); coding-DNA position 1364, one base duplicated (A; older notation c.1364dupA).
Protein change: p.Gln456fs; shifts the reading frame from glutamine 456.
Molecular consequence: frameshift variant. On other transcripts: non-coding transcript variant (1), intron variant (1).
Genome position (GRCh38, 1-based): chr22:40,365,052, A duplicated. VCF-style (leftmost placement, unchanged base first): chr22-40365051-C-CA. GRCh37 (hg19) VCF-style: chr22-40761055-C-CA.
Other names: c.1172dup, p.Gln392fs (NM_001317923.2); c.1364dup, p.Gln456fs (NM_001363840.3); c.1364dup, p.Gln456Alafs (NM_001410812.1); c.1319dup, p.Gln441Alafs (NM_001410814.1); c.1191+687dup (NM_001123378.3); short protein forms Q392fs, Q456fs.
Identifiers: ClinVar variation 2010630 (VCV002010630.4), dbSNP rs2518130905, ClinGen allele CA2580099847.